The following is an entry in ClinVar:

ClinVar aggregate classification (germline): Likely benign. Review status: criteria provided, multiple submitters, no conflicts (2 of 4 stars). 3 submissions from 3 submitters: Likely benign (3). Last evaluated 2026-08-01.

Allele frequency attached by ClinVar (database versions not stated): gnomAD 0.00001; TOPMed 0.00001.
gnomAD v4.1: 18 of 1,613,002 alleles (0.0011%); highest among the groups gnomAD compares: Non-Finnish European, 0.0012%; no homozygotes.

Submissions (3):

CeGaT Center for Human Genetics Tuebingen
Classification: Likely benign. Last evaluated: 2026-08-01. Review status: criteria provided, single submitter. Criteria: CeGaT Center For Human Genetics Tuebingen Variant Classification Criteria Version 2. Collection method: clinical testing. Allele origin: germline. Affected: yes. Observed: 1 variant allele.
Comment: NLRP1: BP4, BP7

Labcorp Genetics (formerly Invitae), Labcorp
Classification: Likely benign. Last evaluated: 2024-10-21. Review status: criteria provided, single submitter. Criteria: Invitae Variant Classification Sherloc (09022015). Collection method: clinical testing. Allele origin: germline.

Blueprint Genetics
Classification: Likely benign. Last evaluated: 2024-10-10. Review status: criteria provided, single submitter. Criteria: ACMG Guidelines, 2015. Collection method: clinical testing. Allele origin: germline.

NM_033004.4(NLRP1):c.3021A>C (p.Thr1007=)

Gene: NLRP1 (NLR family pyrin domain containing 1; minus strand). Cytogenetic location: 17p13.2.
Variant type: single nucleotide variant.
Coding change: c.3021A>C on transcript NM_033004.4 (MANE Select); coding-DNA position 3021, A replaced by C.
Protein change: p.Thr1007=; no amino-acid change (threonine 1007 retained).
Molecular consequence: synonymous variant.
Genome position (GRCh38, 1-based): chr17:5,533,928, T>G on the plus strand (A>C on the coding strand, the complement: NLRP1 is on the minus strand). VCF-style: chr17-5533928-T-G. GRCh37 (hg19) VCF-style: chr17-5437248-T-G.
Other names: c.3021A>C, p.Thr1007= (NM_001033053.3, NM_014922.5); c.2931A>C, p.Thr977= (NM_033006.4, NM_033007.4).
Identifiers: ClinVar variation 2162096 (VCV002162096.5), dbSNP rs199902470, ClinGen allele CA287287509.